The following is an entry in ClinVar:

NM_020800.3(IFT80):c.1292T>C (p.Ile431Thr)

Genes: IFT80 (intraflagellar transport 80; minus strand), TRIM59-IFT80 (TRIM59-IFT80 readthrough (NMD candidate); minus strand). Cytogenetic location: 3q25.33.
Variant type: single nucleotide variant.
Coding change: c.1292T>C on transcript NM_020800.3 (MANE Select); coding-DNA position 1292, T replaced by C.
Protein change: p.Ile431Thr; replaces isoleucine 431 with threonine.
Molecular consequence: missense variant. On other transcripts: non-coding transcript variant (3).
Genome position (GRCh38, 1-based): chr3:160,300,906, A>G on the plus strand (T>C on the coding strand, the complement: IFT80 is on the minus strand). VCF-style: chr3-160300906-A-G. GRCh37 (hg19) VCF-style: chr3-160018694-A-G.
Other names: c.881T>C, p.Ile294Thr (NM_001190241.2, NM_001190242.2); short protein forms I294T, I431T.
Identifiers: ClinVar variation 1374648 (VCV001374648.8), dbSNP rs777754118, ClinGen allele CA2685211.
Genomic context (GRCh38, chr3:160,300,906, plus strand): 5'-TCATATTTGACAGGAAAAATTATAAAAATATACTTACTTTTTTCATCAGCTTTGTCTCTT[A>G]TTGCTATGGTATCATTACTCAAAGACACAGTCTGTGCATTCAGAATATCTGTTCTCATTC-3'
Protein context (NP_065851.1, residues 421-441): TVSLSNDTIA[Ile431Thr]RDKADEKIIF

ClinVar aggregate classification (germline): Uncertain significance (1 of 4 stars; one submission).

Conditions:
Jeune thoracic dystrophy. Also called: Jeune syndrome; Infantile thoracic dystrophy; Thoracic pelvic phalangeal dystrophy; Jeune's syndrome; Chondroectodermal dysplasia-like syndrome; Short-rib thoracic dysplasia. Identifiers: Orphanet 474, MedGen C0265275, MONDO:0018770.

Allele frequency attached by ClinVar (database versions not stated): gnomAD exomes 0.00002 and 0.00003; ExAC 0.00006.
gnomAD v4.1: 22 of 1,608,058 alleles (0.0014%); highest among the groups gnomAD compares: South Asian, 0.023%; 1 homozygote.

Submission:

Labcorp Genetics (formerly Invitae), Labcorp
Classification: Uncertain significance for Jeune thoracic dystrophy. Last evaluated: 2022-07-26. Review status: criteria provided, single submitter. Criteria: Invitae Variant Classification Sherloc (09022015). Collection method: clinical testing. Allele origin: germline.
Comment: In summary, the available evidence is currently insufficient to determine the role of this variant in disease. Therefore, it has been classified as a Variant of Uncertain Significance. Algorithms developed to predict the effect of missense changes on protein structure and function (SIFT, PolyPhen-2, Align-GVGD) all suggest that this variant is likely to be disruptive. ClinVar contains an entry for this variant (Variation ID: 1374648). This variant has not been reported in the literature in individuals affected with IFT80-related conditions. This variant is present in population databases (rs777754118, gnomAD 0.03%). This sequence change replaces isoleucine, which is neutral and non-polar, with threonine, which is neutral and polar, at codon 431 of the IFT80 protein (p.Ile431Thr).